The following is an entry in ClinVar:

ClinVar aggregate classification (germline): Likely benign. Review status: criteria provided, single submitter (1 of 4 stars). 2 submissions from 2 submitters: Likely benign (1). 1 of the submissions does not count toward it. Last evaluated 2025-11-19.

Conditions:
FOCAD-related disorder. Also called: FOCAD-related condition.

Allele frequency attached by ClinVar (database versions not stated): ExAC 0.00036; ESP Exome Variant Server 0.00015.
gnomAD v4.1: 341 of 1,597,952 alleles (0.021%); highest among the groups gnomAD compares: South Asian, 0.19%; no homozygotes.

Submissions (2):

Labcorp Genetics (formerly Invitae), Labcorp
Classification: Likely benign. Last evaluated: 2025-11-19. Review status: criteria provided, single submitter. Criteria: Invitae Variant Classification Sherloc (09022015). Collection method: clinical testing. Allele origin: germline.

PreventionGenetics, part of Exact Sciences
Classification: Likely benign for FOCAD-related condition. Last evaluated: 2022-05-26. Review status: no assertion criteria provided. Collection method: clinical testing. Allele origin: germline. Not counted in ClinVar's aggregate classification.
Comment: This variant is classified as likely benign based on ACMG/AMP sequence variant interpretation guidelines (Richards et al. 2015 PMID: 25741868, with internal and published modifications).

NM_001375567.1(FOCAD):c.2968C>A (p.Pro990Thr)

Gene: FOCAD (focadhesin; plus strand). Cytogenetic location: 9p21.3.
Variant type: single nucleotide variant.
Coding change: c.2968C>A on transcript NM_001375567.1 (MANE Select); coding-DNA position 2968, C replaced by A.
Protein change: p.Pro990Thr; replaces proline 990 with threonine.
Molecular consequence: missense variant.
Genome position (GRCh38, 1-based): chr9:20,926,307, C>A. VCF-style: chr9-20926307-C-A. GRCh37 (hg19) VCF-style: chr9-20926306-C-A.
Other names: c.2863C>A, p.Pro955Thr (NM_001375568.1, NM_001375570.1); c.2968C>A, p.Pro990Thr (NM_017794.5); short protein forms P955T, P990T.
Identifiers: ClinVar variation 3054554 (VCV003054554.4), dbSNP rs201363252, ClinGen allele CA5007376.